The following is an entry in ClinVar:

ClinVar aggregate classification (germline): Conflicting classifications of pathogenicity. Review status: criteria provided, conflicting classifications (1 of 4 stars). 10 submissions from 10 submitters: Uncertain significance (2); Benign (2); Likely benign (3). 3 of the submissions do not count toward it. Last evaluated 2026-01-27.

Conditions:
NEBL-related disorder. Also called: NEBL-related condition.
Primary dilated cardiomyopathy (DCM). Also called: Dilated Cardiomyopathy. Identifiers: Orphanet 217604, MedGen C0007193, MeSH D002311, MONDO:0005021, HP:0001644. Inheritance: Various modes of inheritance.

Allele frequency attached by ClinVar (database versions not stated): 1000 Genomes Project 30x 0.00125; 1000 Genomes Project 0.00140; ESP Exome Variant Server 0.00177; gnomAD 0.00204 and 0.00210; gnomAD exomes 0.00208 and 0.00230; TOPMed 0.00212; ExAC 0.00213.

Submissions (10):

Labcorp Genetics (formerly Invitae), Labcorp
Classification: Likely benign for Primary dilated cardiomyopathy. Last evaluated: 2026-01-27. Review status: criteria provided, single submitter. Criteria: Invitae Variant Classification Sherloc (09022015). Collection method: clinical testing. Allele origin: germline.

Women's Health and Genetics/Laboratory Corporation of America, LabCorp
Classification: Likely benign. Last evaluated: 2024-10-20. Review status: criteria provided, single submitter. Criteria: LabCorp Variant Classification Summary - May 2015. Collection method: clinical testing. Allele origin: germline.

CeGaT Center for Human Genetics Tuebingen
Classification: Benign. Last evaluated: 2022-08-01. Review status: criteria provided, single submitter. Criteria: CeGaT Center For Human Genetics Tuebingen Variant Classification Criteria Version 2. Collection method: clinical testing. Allele origin: germline. Affected: yes. Observed: 1 variant allele.
Comment: NEBL: BP4, BS1, BS2

GeneDx
Classification: Likely benign. Last evaluated: 2021-01-13. Review status: criteria provided, single submitter. Criteria: GeneDx Variant Classification Process June 2021. Collection method: clinical testing. Allele origin: germline. Affected: yes.
Comment: Reported in one individual with adult-onset DCM, one individual with HCM, and one stillbirth case in published literature (Purevjav et al., 2010; Perrot et al., 2016; Sahlin et al., 2019); however, no segregation studies were described; Reported in ClinVar but additional evidence is not available (ClinVar Variant ID# 45499; Landrum et al., 2016); This variant is associated with the following publications: (PMID: 25987543, 23299917, 25353622, 27186169, 27171814, 27301361, 20951326, 27896284, 21430528, 28654958, 30615648, 23632046)

Laboratory for Molecular Medicine, Mass General Brigham Personalized Medicine
Classification: Benign. Last evaluated: 2020-08-05. Review status: criteria provided, single submitter. Criteria: LMM Criteria. Collection method: clinical testing. Allele origin: germline. Observed: 6 variant alleles.
Comment: The p.Gly202Arg variant in NEBL is classified as benign because it has been identified in 0.3% (24/7206) of Ashkenazi Jewish and in 0.2% (361/128806) of European chromosomes by gnomAD. ACMG/AMP Criteria applied: BA1.

Fulgent Genetics
Classification: Uncertain significance. Last evaluated: 2017-05-23. Review status: criteria provided, single submitter. Criteria: ACMG Guidelines, 2015. Collection method: clinical testing. Allele origin: unknown.

Eurofins Ntd Llc (ga)
Classification: Uncertain significance. Last evaluated: 2015-07-14. Review status: criteria provided, single submitter. Criteria: EGL Classification Definitions 2015. Collection method: clinical testing. Allele origin: germline. Observed: 2 variant alleles, 2 heterozygotes.

PreventionGenetics, part of Exact Sciences
Classification: Likely benign for NEBL-related condition. Last evaluated: 2021-03-30. Review status: no assertion criteria provided. Collection method: clinical testing. Allele origin: germline. Not counted in ClinVar's aggregate classification.
Comment: This variant is classified as likely benign based on ACMG/AMP sequence variant interpretation guidelines (Richards et al. 2015 PMID: 25741868, with internal and published modifications).

Clinical Genetics DNA and cytogenetics Diagnostics Lab, Erasmus MC, Erasmus Medical Center
Classification: Likely benign. Review status: no assertion criteria provided. Collection method: clinical testing. Allele origin: germline. Affected: yes. Study: VKGL Data-share Consensus. Not counted in ClinVar's aggregate classification.

Genome Diagnostics Laboratory, University Medical Center Utrecht
Classification: Likely benign. Review status: no assertion criteria provided. Collection method: clinical testing. Allele origin: germline. Affected: yes. Study: VKGL Data-share Consensus. Not counted in ClinVar's aggregate classification.

Literature cited by the submitters: PubMed 20951326 (cited by Laboratory for Molecular Medicine, Mass General Brigham Personalized Medicine and Eurofins Ntd Llc (ga)); PubMed 23632046 (cited by Laboratory for Molecular Medicine, Mass General Brigham Personalized Medicine and Eurofins Ntd Llc (ga)).

NM_006393.3(NEBL):c.604G>A (p.Gly202Arg)

Gene: NEBL (nebulette; minus strand). Cytogenetic location: 10p12.31.
Variant type: single nucleotide variant.
Coding change: c.604G>A on transcript NM_006393.3 (MANE Select); coding-DNA position 604, G replaced by A.
Protein change: p.Gly202Arg; replaces glycine 202 with arginine.
Molecular consequence: missense variant. On other transcripts: intron variant (9).
Genome position (GRCh38, 1-based): chr10:20,868,744, C>T on the plus strand (G>A on the coding strand, the complement: NEBL is on the minus strand). VCF-style: chr10-20868744-C-T. GRCh37 (hg19) VCF-style: chr10-21157673-C-T.
Other names: p.G202R:GGA>AGA; c.250-55804G>A (NM_001377326.1, NM_001377327.1, NM_001377328.1); c.358-55804G>A (NM_213569.2, NM_001173484.2, NM_001377322.1); c.301-55804G>A (NM_001377324.1); c.292-55804G>A (NM_001377325.1); c.310-55804G>A (NM_001377323.1); short protein forms G202R.
Identifiers: ClinVar variation 45499 (VCV000045499.51), dbSNP rs137973321, ClinGen allele CA136450.